The following is an entry in ClinVar:

ClinVar aggregate classification (germline): Benign/Likely benign. Review status: criteria provided, multiple submitters, no conflicts (2 of 4 stars). 8 submissions from 8 submitters: Benign (4); Likely benign (4). Last evaluated 2026-01-28.

Conditions:
UDPglucose-4-epimerase deficiency. Also called: GALACTOSEMIA III; GALE DEFICIENCY; Galactose epimerase deficiency; UDP-GALACTOSE-4-EPIMERASE DEFICIENCY; Epimerase Deficiency Galactosemia; UDPglucose 4-Epimerase Deficiency Disease. Identifiers: Orphanet 352, Orphanet 79238, MedGen C0751161, MONDO:0009257, OMIM 230350.

Allele frequency attached by ClinVar (database versions not stated): gnomAD exomes 0.00105 and 0.00055; ExAC 0.00107; ESP Exome Variant Server 0.00185; gnomAD 0.00235 and 0.00244; TOPMed 0.00250; 1000 Genomes Project 0.00419; 1000 Genomes Project 30x 0.00453.
gnomAD v4.1: 1,217 of 1,614,144 alleles (0.075%); highest among the groups gnomAD compares: African/African-American, 0.58%; 7 homozygotes.

Submissions (8):

Labcorp Genetics (formerly Invitae), Labcorp
Classification: Benign for UDPglucose-4-epimerase deficiency. Last evaluated: 2026-01-28. Review status: criteria provided, single submitter. Criteria: Invitae Variant Classification Sherloc (09022015). Collection method: clinical testing. Allele origin: germline.

Blueprint Genetics
Classification: Benign. Last evaluated: 2024-11-19. Review status: criteria provided, single submitter. Criteria: ACMG Guidelines, 2015. Collection method: clinical testing. Allele origin: germline.

CeGaT Center for Human Genetics Tuebingen
Classification: Likely benign. Last evaluated: 2024-07-01. Review status: criteria provided, single submitter. Criteria: CeGaT Center For Human Genetics Tuebingen Variant Classification Criteria Version 2. Collection method: clinical testing. Allele origin: germline. Affected: yes. Observed: 2 variant alleles.
Comment: GALE: BP4, BP7, BS2

Mayo Clinic Laboratories, Mayo Clinic
Classification: Likely benign. Last evaluated: 2024-03-26. Review status: criteria provided, single submitter. Criteria: ACMG Guidelines, 2015. Collection method: clinical testing. Allele origin: germline. Observed: 2 variant alleles.
Comment: BA1, BP4, BP7

Eurofins Ntd Llc (ga)
Classification: Benign. Last evaluated: 2018-04-27. Review status: criteria provided, single submitter. Criteria: EGL ClinVar v180209 classification definitions. Collection method: clinical testing. Allele origin: germline. Observed: 15 variant alleles, 13 heterozygotes, 2 homozygotes.

Illumina Laboratory Services, Illumina
Classification: Likely benign for UDPglucose-4-epimerase deficiency. Last evaluated: 2018-01-13. Review status: criteria provided, single submitter. Criteria: ICSL Variant Classification Criteria 13 December 2019. Collection method: clinical testing. Allele origin: germline.
Comment: This variant was observed in the ICSL laboratory as part of a predisposition screen in an ostensibly healthy population. It had not been previously curated by ICSL or reported in the Human Gene Mutation Database (HGMD: prior to June 1st, 2018), and was therefore a candidate for classification through an automated scoring system. Utilizing variant allele frequency, disease prevalence and penetrance estimates, and inheritance mode, an automated score was calculated to assess if this variant is too frequent to cause the disease. Based on the score and internal cut-off values, a variant classified as likely benign is not then subjected to further curation. The score for this variant resulted in a classification of likely benign for this disease.

Breakthrough Genomics
Classification: Likely benign. Review status: criteria provided, single submitter. Criteria: ACMG Guidelines, 2015. Collection method: not provided. Allele origin: germline. Inheritance: Autosomal recessive inheritance. Affected: yes.

PreventionGenetics, part of Exact Sciences
Classification: Benign. Review status: criteria provided, single submitter. Criteria: ACMG Guidelines, 2015. Collection method: clinical testing. Allele origin: germline.

NM_001008216.2(GALE):c.912G>A (p.Val304=)

Gene: GALE (UDP-galactose-4-epimerase; minus strand). Cytogenetic location: 1p36.11.
Variant type: single nucleotide variant.
Coding change: c.912G>A on transcript NM_001008216.2 (MANE Select); coding-DNA position 912, G replaced by A.
Protein change: p.Val304=; no amino-acid change (valine 304 retained).
Molecular consequence: synonymous variant.
Genome position (GRCh38, 1-based): chr1:23,796,227, C>T on the plus strand (G>A on the coding strand, the complement: GALE is on the minus strand). VCF-style: chr1-23796227-C-T. GRCh37 (hg19) VCF-style: chr1-24122717-C-T.
Other names: p.Val304=; c.912G>A, p.Val304= (NM_000403.4, NM_001127621.2).
Identifiers: ClinVar variation 92891 (VCV000092891.53), dbSNP rs143694860, ClinGen allele CA220712.